The following is an entry in ClinVar:

NM_006947.4(SRP72):c.1808A>G (p.Gln603Arg)

Gene: SRP72 (signal recognition particle 72; plus strand). Cytogenetic location: 4q12.
Variant type: single nucleotide variant.
Coding change: c.1808A>G on transcript NM_006947.4 (MANE Select); coding-DNA position 1808, A replaced by G.
Protein change: p.Gln603Arg; replaces glutamine 603 with arginine.
Molecular consequence: missense variant. On other transcripts: non-coding transcript variant (1).
Genome position (GRCh38, 1-based): chr4:56,500,665, A>G. VCF-style: chr4-56500665-A-G. GRCh37 (hg19) VCF-style: chr4-57366831-A-G.
Other names: c.1625A>G, p.Gln542Arg (NM_001267722.2); short protein forms Q542R, Q603R.
Identifiers: ClinVar variation 3962022 (VCV003962022.1).
Genomic context (GRCh38, chr4:56,500,665, plus strand): 5'-GTTCTTACTACCGGGGAAGAAAGAAGGGTAAAAAGAAGGATCAGATTGGAAAAGGGACCC[A>G]GGGAGCAACTGCAGGAGCTTCATCTGAACTGTAAGTTATTGCTCCACAATTGAGGGCACT-3'
Protein context (NP_008878.3, residues 593-613): KKKDQIGKGT[Gln603Arg]GATAGASSEL

ClinVar aggregate classification (germline): Uncertain significance (1 of 4 stars; one submission).

gnomAD v4.1: 2 of 1,613,952 alleles (0.00012%); highest among the groups gnomAD compares: Non-Finnish European, 0.00017%; no homozygotes.

Submission:

Ambry Genetics
Classification: Uncertain significance. Last evaluated: 2025-03-15. Review status: criteria provided, single submitter. Criteria: Ambry Variant Classification Scheme 2023. Collection method: clinical testing. Allele origin: germline.
Comment: The p.Q603R variant (also known as c.1808A>G), located in coding exon 18 of the SRP72 gene, results from an A to G substitution at nucleotide position 1808. The glutamine at codon 603 is replaced by arginine, an amino acid with highly similar properties. This amino acid position is conserved. In addition, this alteration is predicted to be deleterious by in silico analysis. Based on the available evidence, the clinical significance of this variant remains unclear.